The following is an entry in ClinVar:

ClinVar aggregate classification (germline): Uncertain significance. Review status: criteria provided, multiple submitters, no conflicts (2 of 4 stars). 2 submissions from 2 submitters: Uncertain significance (2). Last evaluated 2025-09-27.

Conditions:
Hereditary cancer-predisposing syndrome. Also called: Hereditary neoplastic syndrome; Neoplastic Syndromes, Hereditary; Tumor predisposition; Hereditary Cancer Syndrome. Identifiers: Orphanet 140162, MedGen C0027672, MeSH D009386, MONDO:0015356.

Allele frequency attached by ClinVar (database versions not stated): gnomAD exomes below 0.00001; TOPMed 0.00001.
gnomAD v4.1: 1 of 1,612,648 alleles (0.000062%); highest among the groups gnomAD compares: Middle Eastern, 0.016%; no homozygotes.

Submissions (2):

Ambry Genetics
Classification: Uncertain significance for Hereditary cancer-predisposing syndrome. Last evaluated: 2025-09-27. Review status: criteria provided, single submitter. Criteria: Ambry Variant Classification Scheme 2023. Collection method: clinical testing. Allele origin: germline.
Comment: The p.T62I variant (also known as c.185C>T), located in coding exon 3 of the XRCC2 gene, results from a C to T substitution at nucleotide position 185. The threonine at codon 62 is replaced by isoleucine, an amino acid with similar properties. This alteration was seen in 1/732 breast cancer patients, 0/189 colorectal cancer patients and 0/490 cancer-free elderly controls in a Turkish population (Akcay IM et al. Int J Cancer, 2021 01;148:285-295). This amino acid position is not well conserved in available vertebrate species. In addition, this alteration is predicted to be tolerated by in silico analysis. Since supporting evidence is limited at this time, the clinical significance of this alteration remains unclear.

Labcorp Genetics (formerly Invitae), Labcorp
Classification: Uncertain significance. Last evaluated: 2024-06-26. Review status: criteria provided, single submitter. Criteria: Invitae Variant Classification Sherloc (09022015). Collection method: clinical testing. Allele origin: germline.
Comment: This sequence change replaces threonine, which is neutral and polar, with isoleucine, which is neutral and non-polar, at codon 62 of the XRCC2 protein (p.Thr62Ile). This variant is not present in population databases (gnomAD no frequency). This variant has not been reported in the literature in individuals affected with XRCC2-related conditions. ClinVar contains an entry for this variant (Variation ID: 1508502). Advanced modeling of protein sequence and biophysical properties (such as structural, functional, and spatial information, amino acid conservation, physicochemical variation, residue mobility, and thermodynamic stability) performed at Invitae indicates that this missense variant is not expected to disrupt XRCC2 protein function with a negative predictive value of 80%. In summary, the available evidence is currently insufficient to determine the role of this variant in disease. Therefore, it has been classified as a Variant of Uncertain Significance.

Literature cited by the submitters: PubMed 32658311 (cited by Ambry Genetics).

NM_005431.2(XRCC2):c.185C>T (p.Thr62Ile)

Gene: XRCC2 (X-ray repair cross complementing 2; minus strand). Cytogenetic location: 7q36.1.
Variant type: single nucleotide variant.
Coding change: c.185C>T on transcript NM_005431.2 (MANE Select); coding-DNA position 185, C replaced by T.
Protein change: p.Thr62Ile; replaces threonine 62 with isoleucine.
Molecular consequence: missense variant.
Genome position (GRCh38, 1-based): chr7:152,649,300, G>A on the plus strand (C>T on the coding strand, the complement: XRCC2 is on the minus strand). VCF-style: chr7-152649300-G-A. GRCh37 (hg19) VCF-style: chr7-152346385-G-A.
Other names: short protein forms T62I.
Identifiers: ClinVar variation 1508502 (VCV001508502.9), dbSNP rs1590129782, ClinGen allele CA370199240.